The following is an entry in ClinVar:

ClinVar aggregate classification (germline): Likely benign (1 of 4 stars; one submission).

Conditions:
Methylmalonic aciduria, cblB type (MACB). Also called: Vitamin B12-responsive methylmalonic acidemia type cblB; METHYLMALONIC ACIDURIA, VITAMIN B12-RESPONSIVE, DUE TO DEFECT IN SYNTHESIS OF ADENOSYLCOBALAMIN, cblB TYPE; Methylmalonic acidemia cblB type. Identifiers: Orphanet 28, Orphanet 79311, MedGen C1855102, MONDO:0009614, OMIM 251110.

Allele frequency attached by ClinVar (database versions not stated): ExAC 0.00019; gnomAD exomes 0.00054 and 0.00031; 1000 Genomes Project 0.00359; TOPMed 0.00244; gnomAD 0.00228 and 0.00240; 1000 Genomes Project 30x 0.00359.
gnomAD v4.1: 424 of 451,040 alleles (0.094%); highest among the groups gnomAD compares: African/African-American, 0.88%; 2 homozygotes.

Submission:

Illumina Laboratory Services, Illumina
Classification: Likely benign for Methylmalonic aciduria, cblB type. Last evaluated: 2018-01-13. Review status: criteria provided, single submitter. Criteria: ICSL Variant Classification Criteria 13 December 2019. Collection method: clinical testing. Allele origin: germline.
Comment: This variant was observed in the ICSL laboratory as part of a predisposition screen in an ostensibly healthy population. It had not been previously curated by ICSL or reported in the Human Gene Mutation Database (HGMD: prior to June 1st, 2018), and was therefore a candidate for classification through an automated scoring system. Utilizing variant allele frequency, disease prevalence and penetrance estimates, and inheritance mode, an automated score was calculated to assess if this variant is too frequent to cause the disease. Based on the score and internal cut-off values, a variant classified as likely benign is not then subjected to further curation. The score for this variant resulted in a classification of likely benign for this disease.

NM_052845.4(MMAB):c.*404T>G

Gene: MMAB (metabolism of cobalamin associated B; minus strand). Cytogenetic location: 12q24.11.
Variant type: single nucleotide variant.
Coding change: c.*404T>G on transcript NM_052845.4 (MANE Select); 404 bases downstream of the stop codon, T replaced by G.
Molecular consequence: 3 prime UTR variant. On other transcripts: non-coding transcript variant (1).
Genome position (GRCh38, 1-based): chr12:109,556,624, A>C on the plus strand (T>G on the coding strand, the complement: MMAB is on the minus strand). VCF-style: chr12-109556624-A-C. GRCh37 (hg19) VCF-style: chr12-109994429-A-C.
Identifiers: ClinVar variation 307057 (VCV000307057.5), dbSNP rs148289390, ClinGen allele CA6778674.
Genomic context (GRCh38, chr12:109,556,624, plus strand): 5'-GTAAATCACAATTACATTTTCAAGGGCCTCTGGTCCCATTCCAAATCTGTGAACAACCTG[A>C]GCTGGCAGTGGGAGGGCTCTCTCTCACACACACACACACACACACACACACACACACACA-3'